The following is an entry in ClinVar:

NC_012920.1(MT-CO3):m.9325T>C

Gene: MT-CO3 (mitochondrially encoded cytochrome c oxidase III; plus strand).
Variant type: single nucleotide variant.
Genome position: chrM-9325-T-C.
Identifiers: ClinVar variation 693148 (VCV000693148.1), dbSNP rs879000531, ClinGen allele CA337098323.

ClinVar aggregate classification (germline): Benign (1 of 4 stars; one submission).

Conditions:
Leigh syndrome (NULS). Also called: Leigh's necrotizing encephalopathy; Leigh's disease; Leigh Syndrome (mtDNA deletion); Leigh Disease; Subacute necrotizing encephalopathy; Necrotizing encephalopathy infantile subacute of Leigh. Identifiers: Orphanet 506, MedGen C2931891, MONDO:0009723, OMIM 256000.

Submission:

Wong Mito Lab, Molecular and Human Genetics, Baylor College of Medicine
Classification: Benign for Leigh syndrome. Last evaluated: 2019-10-17. Review status: criteria provided, single submitter. Criteria: Modified ACMG Guidelines (Unpublished). Collection method: clinical testing. Allele origin: germline.
Comment: The NC_012920.1:m.9325T>C (YP_003024032.1:p.Met40Thr) variant in MTCO3 gene is interpretated to be a Benign variant based on the modified ACMG guidelines (unpublished). This variant meets the following evidence codes: BS1, BS2, BP4